The following is an entry in ClinVar:

NM_001277058.2(ERCC6):c.2027T>G (p.Val676Gly)

Genes: PGBD3 (piggyBac transposable element derived 3; minus strand), ERCC6 (ERCC excision repair 6, chromatin remodeling factor; minus strand). Cytogenetic location: 10q11.23.
Variant type: single nucleotide variant.
Coding change: c.2027T>G on transcript NM_001277058.2 (MANE Plus Clinical); coding-DNA position 2027, T replaced by G.
Protein change: p.Val676Gly; replaces valine 676 with glycine.
Molecular consequence: missense variant. On other transcripts: intron variant (2).
Genome position (GRCh38, 1-based): chr10:49,516,492, A>C on the plus strand (T>G on the coding strand, the complement: ERCC6 is on the minus strand). VCF-style: chr10-49516492-A-C. GRCh37 (hg19) VCF-style: chr10-50724538-A-C.
Other names: c.2027T>G, p.Val676Gly (NM_001277059.2); c.623T>G, p.Val208Gly (NM_170753.3); c.1397+7541T>G (NM_001346440.2, NM_000124.4); short protein forms V208G, V676G.
Identifiers: ClinVar variation 1049709 (VCV001049709.29), dbSNP rs139949788, ClinGen allele CA5496209.

ClinVar aggregate classification (germline): Conflicting classifications of pathogenicity. Review status: criteria provided, conflicting classifications (1 of 4 stars). 4 submissions from 4 submitters: Uncertain significance (2); Likely benign (1). 1 of the submissions does not count toward it. Last evaluated 2024-08-20.

Allele frequency attached by ClinVar (database versions not stated): ExAC 0.00040; gnomAD exomes 0.00053; 1000 Genomes Project 0.00060; 1000 Genomes Project 30x 0.00062; ESP Exome Variant Server 0.00062; gnomAD 0.00064 and 0.00068.
gnomAD v4.1: 992 of 1,614,240 alleles (0.061%); highest among the groups gnomAD compares: Admixed American, 0.16%; 3 homozygotes.

Submissions (4):

Women's Health and Genetics/Laboratory Corporation of America, LabCorp
Classification: Uncertain significance. Last evaluated: 2024-08-20. Review status: criteria provided, single submitter. Criteria: LabCorp Variant Classification Summary - May 2015. Collection method: clinical testing. Allele origin: germline.
Comment: Variant summary: ERCC6 NM_000124.4 c.1397+7541T>G is located at a position not widely known to affect splicing. Consensus agreement among computation tools predict no significant impact on normal splicing. The variant is also known as NM_001277058.2 c.2027T>G p.V676G. Four of four in-silico tools predict a benign effect of the variant on protein function. However, these predictions have yet to be confirmed by functional studies. The variant allele was found at a frequency of 0.00053 in 250830 control chromosomes. This frequency is not significantly higher than estimated for a pathogenic variant in ERCC6 causing Cerebrooculofacioskeletal Syndrome 1, allowing no conclusion about variant significance. To our knowledge, no occurrence of c.1397+7541T>G in individuals affected with Cerebrooculofacioskeletal Syndrome 1 and no experimental evidence demonstrating its impact on protein function have been reported. ClinVar contains an entry for this variant (Variation ID: 1049709). Based on the evidence outlined above, the variant was classified as uncertain significance.

Ambry Genetics
Classification: Uncertain significance. Last evaluated: 2024-06-11. Review status: criteria provided, single submitter. Criteria: Ambry Variant Classification Scheme 2023. Collection method: clinical testing. Allele origin: germline.

CeGaT Center for Human Genetics Tuebingen
Classification: Likely benign. Last evaluated: 2023-08-01. Review status: criteria provided, single submitter. Criteria: CeGaT Center For Human Genetics Tuebingen Variant Classification Criteria Version 2. Collection method: clinical testing. Allele origin: germline. Affected: yes. Observed: 1 variant allele.
Comment: ERCC6: BP4, BS2

Department of Pathology and Laboratory Medicine, Sinai Health System
Classification: Uncertain significance. Review status: no assertion criteria provided. Collection method: clinical testing. Allele origin: unknown. Affected: yes. Study: The Canadian Open Genetics Repository (COGR). Not counted in ClinVar's aggregate classification.
Comment: The ERCC6 p.Val676Gly variant was not identified in the literature nor was it identified in ClinVar, Cosmic, or LOVD 3.0. The variant was identified in dbSNP (ID: rs139949788) and in control databases in 139 of 282240 chromosomes at a frequency of 0.000492 increasing the likelihood this could be a low frequency benign variant (Genome Aggregation Database Feb 27, 2017). The variant was observed in the following populations: Latino in 40 of 35402 chromosomes (freq: 0.00113), Other in 8 of 7194 chromosomes (freq: 0.001112), European (non-Finnish) in 85 of 128882 chromosomes (freq: 0.00066), African in 5 of 24718 chromosomes (freq: 0.000202) and European (Finnish) in 1 of 25124 chromosomes (freq: 0.00004); it was not observed in the Ashkenazi Jewish, East Asian, and South Asian populations. The variant occurs outside of the splicing consensus sequence and 4 of 4 in silico or computational prediction software programs (SpliceSiteFinder, MaxEntScan, NNSPLICE, and GeneSplicer) do not predict a difference in splicing. The p.Val676 residue is not conserved in mammals and computational analyses (PolyPhen-2, SIFT, AlignGVGD, BLOSUM, and MutationTaster) provide inconsistent predictions regarding the impact to the protein; this information is not very predictive of pathogenicity. In summary, based on the above information the clinical significance of this variant cannot be determined with certainty at this time. This variant is classified as a variant of uncertain significance.